The following is an entry in ClinVar:

ClinVar aggregate classification (germline): Uncertain significance (0 of 4 stars; one submission).

Conditions:
LEPR-related disorder. Also called: LEPR-related condition; LEPR-related disorders.

gnomAD v4.1: 8 of 1,613,778 alleles (0.0005%); highest among the groups gnomAD compares: Non-Finnish European, 0.00068%; no homozygotes.

Submission:

PreventionGenetics, part of Exact Sciences
Classification: Uncertain significance for LEPR-related condition. Last evaluated: 2024-07-15. Review status: no assertion criteria provided. Collection method: clinical testing. Allele origin: germline.
Comment: The LEPR c.2746G>C variant is predicted to result in the amino acid substitution p.Glu916Gln. This variant was observed in a cohort of individuals with obesity, and in vitro functional studies showed function similar to wild-type levels (Supplemental Data Set, Shah et al. 2023. PubMed ID: 36864747). This variant is reported in 0.00088% of alleles in individuals of European (Non-Finnish) descent in gnomAD. At this time, the clinical significance of this variant is uncertain due to the absence of conclusive functional and genetic evidence.

NM_002303.6(LEPR):c.2746G>C (p.Glu916Gln)

Gene: LEPR (leptin receptor; plus strand). Cytogenetic location: 1p31.3.
Variant type: single nucleotide variant.
Coding change: c.2746G>C on transcript NM_002303.6 (MANE Select); coding-DNA position 2746, G replaced by C.
Protein change: p.Glu916Gln; replaces glutamic acid 916 with glutamine.
Molecular consequence: missense variant.
Genome position (GRCh38, 1-based): chr1:65,636,263, G>C. VCF-style: chr1-65636263-G-C. GRCh37 (hg19) VCF-style: chr1-66101946-G-C.
Other names: short protein forms E916Q.
Identifiers: ClinVar variation 3355655 (VCV003355655.1).